The following is an entry in ClinVar:

ClinVar aggregate classification (germline): Uncertain significance. Review status: criteria provided, multiple submitters, no conflicts (2 of 4 stars). 7 submissions from 3 submitters: Uncertain significance (7). Last evaluated 2025-07-23.

Conditions:
Early-onset myopathy with fatal cardiomyopathy (CMYO5). Also called: Salih Myopathy; CONGENITAL MYOPATHY 5 WITH CARDIOMYOPATHY. Identifiers: Orphanet 289377, MedGen C2673677, MONDO:0012714, OMIM 611705. Disease mechanism: loss of function.
Tibial muscular dystrophy (TMD). Also called: UDD MYOPATHY; Tibial muscular dystrophy, tardive; Udd Distal Myopathy – Tibial Muscular Dystrophy. Identifiers: Orphanet 609, MedGen C1838244, MONDO:0010870, OMIM 600334.
TTN-related disorder. Also called: TTN-related disorders; TTN-related condition; TTN-related disease.
Dilated cardiomyopathy 1G (CMD1G). Identifiers: Orphanet 154, MedGen C1858763, MONDO:0011400, OMIM 604145.
Autosomal recessive limb-girdle muscular dystrophy type 2J (LGMDR10). Also called: Limb-girdle muscular dystrophy, type 2J; MUSCULAR DYSTROPHY, LIMB-GIRDLE, AUTOSOMAL RECESSIVE 10. Identifiers: Orphanet 140922, MedGen C1837342, MONDO:0012127, OMIM 608807.
Myopathy, myofibrillar, 9, with early respiratory failure (MFM9). Also called: MYOPATHY, PROXIMAL, WITH EARLY RESPIRATORY MUSCLE INVOLVEMENT; Hereditary myopathy with early respiratory failure; Myopathy, distal, with early respiratory failure, autosomal dominant; EDSTROM MYOPATHY. Identifiers: Orphanet 178464, Orphanet 34521, MedGen C1863599, MONDO:0011362, OMIM 603689.

Allele frequency attached by ClinVar (database versions not stated): gnomAD exomes below 0.00001; TOPMed below 0.00001.
gnomAD v4.1: 1 of 1,580,336 alleles (0.000063%); highest among the groups gnomAD compares: Non-Finnish European, 0.000086%; no homozygotes.

Submissions (7):

PreventionGenetics, part of Exact Sciences
Classification: Uncertain significance for TTN-related condition. Last evaluated: 2025-07-23. Review status: criteria provided, single submitter. Criteria: ACMG Guidelines, 2015. Collection method: clinical testing. Allele origin: germline.
Comment: The TTN c.88851C>T variant is not predicted to result in an amino acid change (p.=). This variant is predicted to alter splicing based on available splicing prediction programs (SpliceAI, Jaganathan et al. 2019. PubMed ID: 30661751); however, the impact of this variant has not been functionally validated. To our knowledge, this variant has not been reported in the literature or in a large population database (gnomAD), indicating this variant is rare. At this time, the clinical significance of this variant is uncertain due to the absence of conclusive functional and genetic evidence.

Labcorp Genetics (formerly Invitae), Labcorp
Classification: Uncertain significance for Dilated cardiomyopathy 1G; Autosomal recessive limb-girdle muscular dystrophy type 2J. Last evaluated: 2021-08-27. Review status: criteria provided, single submitter. Criteria: Invitae Variant Classification Sherloc (09022015). Collection method: clinical testing. Allele origin: germline.
Comment: This sequence change affects codon 29617 of the TTN mRNA. It is a 'silent' change, meaning that it does not change the encoded amino acid sequence of the TTN protein. This variant is not present in population databases (ExAC no frequency). This variant has not been reported in the literature in individuals affected with TTN-related conditions. ClinVar contains an entry for this variant (Variation ID: 332739). Algorithms developed to predict the effect of sequence changes on RNA splicing suggest that this variant may create or strengthen a splice site. This variant is located in the A band of TTN (PMID: 25589632). Variants in this region may be relevant for cardiac or neuromuscular disorders (PMID: 25589632, 23975875). In summary, the available evidence is currently insufficient to determine the role of this variant in disease. Therefore, it has been classified as a Variant of Uncertain Significance.

Illumina Laboratory Services, Illumina
Classification: Uncertain significance for Myopathy, myofibrillar, 9, with early respiratory failure. Last evaluated: 2018-01-12. Review status: criteria provided, single submitter. Criteria: ICSL Variant Classification Criteria 13 December 2019. Collection method: clinical testing. Allele origin: germline.

Illumina Laboratory Services, Illumina
Classification: Uncertain significance for Dilated cardiomyopathy 1G. Last evaluated: 2018-01-12. Review status: criteria provided, single submitter. Criteria: ICSL Variant Classification Criteria 13 December 2019. Collection method: clinical testing. Allele origin: germline.

Illumina Laboratory Services, Illumina
Classification: Uncertain significance for Tibial muscular dystrophy. Last evaluated: 2018-01-12. Review status: criteria provided, single submitter. Criteria: ICSL Variant Classification Criteria 13 December 2019. Collection method: clinical testing. Allele origin: germline.

Illumina Laboratory Services, Illumina
Classification: Uncertain significance for Autosomal recessive limb-girdle muscular dystrophy type 2J. Last evaluated: 2018-01-12. Review status: criteria provided, single submitter. Criteria: ICSL Variant Classification Criteria 13 December 2019. Collection method: clinical testing. Allele origin: germline.

Illumina Laboratory Services, Illumina
Classification: Uncertain significance for Early-onset myopathy with fatal cardiomyopathy. Last evaluated: 2018-01-12. Review status: criteria provided, single submitter. Criteria: ICSL Variant Classification Criteria 13 December 2019. Collection method: clinical testing. Allele origin: germline.

Literature cited by the submitters: PubMed 25589632 (cited by Labcorp Genetics (formerly Invitae), Labcorp); PubMed 23975875 (cited by Labcorp Genetics (formerly Invitae), Labcorp).

NM_001267550.2(TTN):c.88851C>T (p.Gly29617=)

Genes: TTN-AS1 (TTN antisense RNA 1; plus strand), TTN (titin; minus strand). Cytogenetic location: 2q31.2.
Variant type: single nucleotide variant.
Coding change: c.88851C>T on transcript NM_001267550.2 (MANE Select); coding-DNA position 88851, C replaced by T.
Protein change: p.Gly29617=; no amino-acid change (glycine 29617 retained).
Molecular consequence: synonymous variant.
Genome position (GRCh38, 1-based): chr2:178,554,496, G>A on the plus strand (C>T on the coding strand, the complement: TTN is on the minus strand). VCF-style: chr2-178554496-G-A. GRCh37 (hg19) VCF-style: chr2-179419223-G-A.
Other names: c.83928C>T, p.Gly27976= (NM_001256850.1); c.61656C>T, p.Gly20552= (NM_003319.4); c.81147C>T, p.Gly27049= (NM_133378.4); c.62031C>T, p.Gly20677= (NM_133432.3); c.62232C>T, p.Gly20744= (NM_133437.4).
Identifiers: ClinVar variation 332739 (VCV000332739.12), dbSNP rs201241167, ClinGen allele CA10612032.